The following is an entry in ClinVar:

ClinVar aggregate classification (germline): Uncertain significance (1 of 4 stars; one submission).

Conditions:
Hyper-IgM syndrome type 1. Also called: X-linked hyper-IgM syndrome; Immunodeficiency, X-linked, with hyper-IgM; CD40 Ligand Deficiency; Hyper-IgM Immunodeficiency Syndrome, Type 1. Identifiers: Orphanet 101088, MedGen C0398689, MONDO:0010626, OMIM 308230.

Submission:

Labcorp Genetics (formerly Invitae), Labcorp
Classification: Uncertain significance for Hyper-IgM syndrome type 1. Last evaluated: 2018-09-11. Review status: criteria provided, single submitter. Criteria: Invitae Variant Classification Sherloc (09022015). Collection method: clinical testing. Allele origin: germline.
Comment: This variant, c.508_510delTAT, results in the deletion of 1 amino acid of the CD40LG protein (p.Tyr170del), but otherwise preserves the integrity of the reading frame. This variant is not present in population databases (ExAC no frequency). Experimental studies and prediction algorithms are not available for this variant, and the functional significance of the deleted amino acid is currently unknown. In summary, the available evidence is currently insufficient to determine the role of this variant in disease. Therefore, it has been classified as a Variant of Uncertain Significance.

NM_000074.3(CD40LG):c.505TAT[1] (p.Tyr170del)

Gene: CD40LG (CD40 ligand; plus strand). Cytogenetic location: Xq26.3.
Variant type: Microsatellite.
Coding change: c.505TAT[1] on transcript NM_000074.3 (MANE Select); one copy of the 3-base unit TAT starting at c.505; the reference has two copies in a row; one copy, 3 bases deleted.
Protein change: p.Tyr170del; deletes tyrosine 170.
Molecular consequence: inframe deletion.
Genome position (GRCh38, 1-based): chrX:136,659,137-136,659,139, TAT deleted; deleting any 3 consecutive bases within chrX:136,659,134-136,659,139 gives the same sequence; the position shown is the placement nearest the transcript's 3' end. VCF-style (leftmost placement, unchanged base first): chrX-136659133-CTAT-C. GRCh37 (hg19) VCF-style: chrX-135741292-CTAT-C.
Other names: c.508_510delTAT (NM_000074.2); short protein forms Y170del.
Identifiers: ClinVar variation 656661 (VCV000656661.9), dbSNP rs1603321765, ClinGen allele CA915952040.